The following is an entry in ClinVar:

ClinVar aggregate classification (germline): Pathogenic/Likely pathogenic. Review status: criteria provided, multiple submitters, no conflicts (2 of 4 stars). 3 submissions from 3 submitters: Pathogenic (1); Likely pathogenic (2). Last evaluated 2024-02-07.

Conditions:
Hereditary spastic paraplegia 4. Also called: Spastic Paraplegia 4; Familial spastic paraplegia autosomal dominant 2; Spastic paraplegia 4, autosomal dominant. Identifiers: Orphanet 100985, MedGen C1866855, MONDO:0008438, OMIM 182601.
SPAST-related disorder. Also called: SPAST-related condition.

Submissions (3):

Women's Health and Genetics/Laboratory Corporation of America, LabCorp
Classification: Pathogenic for Hereditary spastic paraplegia 4. Last evaluated: 2024-02-07. Review status: criteria provided, single submitter. Criteria: LabCorp Variant Classification Summary - May 2015. Collection method: clinical testing. Allele origin: germline.
Comment: Variant summary: SPAST c.1775_1778delTAAA (p.Ile592AsnfsX9) results in a premature termination codon in the last exon of the SPAST gene, predicted to cause a truncation of the encoded protein. Although nonsense mediated decay is not expected to occur, variants downstream of this variant have been classified as pathogenic in ClinVar. The variant was absent in 250860 control chromosomes. c.1775_1778delTAAA has been reported in the literature in at least one individual affected with Spastic Paraplegia 4, Autosomal Dominant (e.g. HajSalem_2021). To our knowledge, no experimental evidence demonstrating an impact on protein function has been reported. The following publication has been ascertained in the context of this evaluation (PMID: 33397523). ClinVar contains an entry for this variant (Variation ID: 444495). Based on the evidence outlined above, the variant was classified as pathogenic.

Blueprint Genetics
Classification: Likely pathogenic for SPAST-related disorders. Last evaluated: 2021-09-24. Review status: criteria provided, single submitter. Criteria: ACMG Guidelines, 2015. Collection method: clinical testing. Allele origin: germline. Affected: yes. Observed: 1 variant allele.

CeGaT Center for Human Genetics Tuebingen
Classification: Likely pathogenic. Last evaluated: 2017-05-01. Review status: criteria provided, single submitter. Criteria: CeGaT Center For Human Genetics Tuebingen Variant Classification Criteria Version 2. Collection method: clinical testing. Allele origin: germline. Affected: yes. Observed: 1 variant allele.

Literature cited by the submitters: PubMed 33397523 (cited by Women's Health and Genetics/Laboratory Corporation of America, LabCorp).

NM_014946.4(SPAST):c.1775_1778del (p.Ile592fs)

Gene: SPAST (spastin; plus strand). Cytogenetic location: 2p22.3.
Variant type: Deletion.
Coding change: c.1775_1778del on transcript NM_014946.4 (MANE Select); coding-DNA positions 1775 to 1778, 4 bases deleted (TAAA; older notation c.1775_1778delTAAA).
Protein change: p.Ile592fs; shifts the reading frame from isoleucine 592.
Molecular consequence: frameshift variant. On other transcripts: 3 prime UTR variant (1).
Genome position (GRCh38, 1-based): chr2:32,154,420-32,154,423, TAAA deleted; deleting any 4 consecutive bases within chr2:32,154,417-32,154,423 gives the same sequence; the c. name uses the placement nearest the transcript's 3' end. VCF-style (leftmost placement, unchanged base first): chr2-32154416-AAAAT-A. GRCh37 (hg19) VCF-style: chr2-32379485-AAAAT-A.
Other names: c.1772_1775del, p.Ile591fs (NM_001363823.2); c.1676_1679del, p.Ile559fs (NM_001363875.2); c.*48_*51del (NM_001377959.1); c.1679_1682del, p.Ile560fs (NM_199436.2); c.1775_1778delTAAA (NM_014946.4); short protein forms I592fs, I559fs, I591fs, I560fs.
Identifiers: ClinVar variation 444495 (VCV000444495.44), dbSNP rs1553321232, ClinGen allele CA658653745.